The following is an entry in ClinVar:

ClinVar aggregate classification (germline): Pathogenic (1 of 4 stars; one submission).

Submission:

CeGaT Center for Human Genetics Tuebingen
Classification: Pathogenic. Last evaluated: 2022-03-01. Review status: criteria provided, single submitter. Criteria: CeGaT Center For Human Genetics Tuebingen Variant Classification Criteria Version 2. Collection method: clinical testing. Allele origin: germline. Affected: yes. Observed: 1 variant allele.
Comment: ASPM: PVS1, PM2

NM_018136.5(ASPM):c.4870delinsTATATTCTGGT (p.Lys1624fs)

Gene: ASPM (assembly factor for spindle microtubules; minus strand). Cytogenetic location: 1q31.3.
Variant type: Indel.
Coding change: c.4870delinsTATATTCTGGT on transcript NM_018136.5 (MANE Select); coding-DNA position 4870, A replaced by TATATTCTGGT.
Protein change: p.Lys1624fs; shifts the reading frame from lysine 1624.
Molecular consequence: frameshift variant. On other transcripts: intron variant (1).
Genome position (GRCh38, 1-based): chr1:197,104,381, T replaced by ACCAGAATATA on the plus strand (A replaced by TATATTCTGGT on the coding strand, the reverse complement: ASPM is on the minus strand). VCF-style: chr1-197104381-T-ACCAGAATATA. GRCh37 (hg19) VCF-style: chr1-197073511-T-ACCAGAATATA.
Other names: c.4066-8217delinsTATATTCTGGT (NM_001206846.2); short protein forms K1624fs.
Identifiers: ClinVar variation 1701116 (VCV001701116.31), dbSNP rs2125096288, ClinGen allele CA2580061893.
Genomic context (GRCh38, chr1:197,104,381, plus strand): 5'-TATATGCAGACTGCAGCACAATGACAGCAGAGCGTGTTTTCTGGTAAGATGCTAGAACTT[T>ACCAGAATATA]CATGGCAAAAATATAAGCTCGGAAATGAGTCTGAATTATAACAGCTGCTTTCTTCATCTT-3'